The following is an entry in ClinVar:

NM_000263.4(NAGLU):c.222_223del (p.Val75fs)

Genes: NAGLU (N-acetyl-alpha-glucosaminidase; plus strand), LOC130060903 (ATAC-STARR-seq lymphoblastoid silent region 8533; plus strand). Cytogenetic location: 17q21.2.
Variant type: Microsatellite.
Coding change: c.222_223del on transcript NM_000263.4 (MANE Select); coding-DNA positions 222 to 223, 2 bases deleted (CG; older notation c.222_223delCG).
Protein change: p.Val75fs; shifts the reading frame from valine 75.
Molecular consequence: frameshift variant.
Genome position (GRCh38, 1-based): chr17:42,536,494-42,536,495, CG deleted; deleting any 2 consecutive bases within chr17:42,536,489-42,536,495 gives the same sequence; the c. name uses the placement nearest the transcript's 3' end. VCF-style (leftmost placement, unchanged base first): chr17-42536488-GGC-G. GRCh37 (hg19) VCF-style: chr17-40688506-GGC-G.
Other names: short protein forms V75fs.
Identifiers: ClinVar variation 1068957 (VCV001068957.8), dbSNP rs2143076561, ClinGen allele CA2580613138.

ClinVar aggregate classification (germline): Pathogenic. Review status: criteria provided, multiple submitters, no conflicts (2 of 4 stars). 2 submissions from 2 submitters: Pathogenic (2). Last evaluated 2023-08-11.

Conditions:
Charcot-Marie-Tooth disease axonal type 2V. Also called: CHARCOT-MARIE-TOOTH NEUROPATHY, TYPE 2V; CHARCOT-MARIE-TOOTH DISEASE, AXONAL, AUTOSOMAL DOMINANT, TYPE 2V. Identifiers: Orphanet 447964, MedGen C5569050, MONDO:0014665, OMIM 616491.
Mucopolysaccharidosis, MPS-III-B (MPS3B). Also called: SANFILIPPO SYNDROME B; MUCOPOLYSACCHARIDOSIS, TYPE IIIB; N-ACETYL-ALPHA-D-GLUCOSAMINIDASE DEFICIENCY; NAGLU DEFICIENCY; Mucopolysaccharidosis type IIIB (Sanfilippo B); MPS IIIB (Sanfilippo Syndrome Type B). Identifiers: Orphanet 79270, MedGen C0086648, MONDO:0009656, OMIM 252920.

Submissions (2):

Myriad Genetics, Inc.
Classification: Pathogenic for Mucopolysaccharidosis, MPS-III-B. Last evaluated: 2023-08-11. Review status: criteria provided, single submitter. Criteria: Myriad Autosomal Dominant, Autosomal Recessive and X-Linked Classification Criteria (2023). Collection method: clinical testing. Allele origin: unknown.
Comment: NM_000263.3(NAGLU):c.222_223delCG(V75Afs*116) is expected to be pathogenic in the context of mucopolysaccharidosis type IIIB. This variant is predicted to lead to an abnormal or absent protein product due to the creation of a premature termination codon in NAGLU, a gene where loss-of-function variants are known to be pathogenic. Please note: this variant was assessed in the context of healthy population screening.

Labcorp Genetics (formerly Invitae), Labcorp
Classification: Pathogenic for Charcot-Marie-Tooth disease axonal type 2V; Mucopolysaccharidosis, MPS-III-B. Last evaluated: 2020-08-21. Review status: criteria provided, single submitter. Criteria: Invitae Variant Classification Sherloc (09022015). Collection method: clinical testing. Allele origin: germline.
Comment: For these reasons, this variant has been classified as Pathogenic. Loss-of-function variants in NAGLU are known to be pathogenic (PMID: 9832037, 10094189, 16151907). Algorithms developed to predict the effect of sequence changes on RNA splicing suggest that this variant may create or strengthen a splice site, but this prediction has not been confirmed by published transcriptional studies. This variant has not been reported in the literature in individuals with NAGLU-related conditions. The frequency data for this variant in the population databases is considered unreliable, as metrics indicate insufficient coverage at this position in the ExAC database. This sequence change creates a premature translational stop signal (p.Val75Alafs*116) in the NAGLU gene. It is expected to result in an absent or disrupted protein product.

Literature cited by the submitters: PubMed 9832037 (cited by Labcorp Genetics (formerly Invitae), Labcorp); PubMed 10094189 (cited by Labcorp Genetics (formerly Invitae), Labcorp); PubMed 16151907 (cited by Labcorp Genetics (formerly Invitae), Labcorp).